The following is an entry in ClinVar:

ClinVar aggregate classification (germline): Uncertain significance (1 of 4 stars; one submission).

Submission:

Dasa
Classification: Uncertain significance. Last evaluated: 2024-08-28. Review status: criteria provided, single submitter. Criteria: DASA Assertion Criteria. Collection method: clinical testing. Allele origin: germline.
Comment: NM_177559.3(CSNK2A1):c.665T>C (p.Leu222Pro) is a missense variant that results in the substitution of leucine with proline. This variant is absent from population databases. Computational prediction algorithms are consistent with a deleterious effect. The currently available literature and clinical evidence are not sufficient to establish a definitive association between this variant and the reported condition. Therefore, this variant is classified as a variant of uncertain significance.

NM_177559.3(CSNK2A1):c.665T>C (p.Leu222Pro)

Gene: CSNK2A1 (casein kinase 2 alpha 1; minus strand). Cytogenetic location: 20p13.
Variant type: single nucleotide variant.
Coding change: c.665T>C on transcript NM_177559.3 (MANE Select); coding-DNA position 665, T replaced by C.
Protein change: p.Leu222Pro; replaces leucine 222 with proline.
Molecular consequence: missense variant.
Genome position (GRCh38, 1-based): chr20:489,838, A>G on the plus strand (T>C on the coding strand, the complement: CSNK2A1 is on the minus strand). VCF-style: chr20-489838-A-G. GRCh37 (hg19) VCF-style: chr20-470482-A-G.
Other names: c.665T>C, p.Leu222Pro (NM_001362770.2, NM_001362771.2, NM_001895.4); c.257T>C, p.Leu86Pro (NM_177560.3); short protein forms L222P, L86P.
Identifiers: ClinVar variation 4880922 (VCV004880922.2).